The following is an entry in ClinVar:

NM_021831.6(AGBL5):c.1931C>T (p.Thr644Ile)

Gene: AGBL5 (AGBL carboxypeptidase 5; plus strand). Cytogenetic location: 2p23.3.
Variant type: single nucleotide variant.
Coding change: c.1931C>T on transcript NM_021831.6 (MANE Select); coding-DNA position 1931, C replaced by T.
Protein change: p.Thr644Ile; replaces threonine 644 with isoleucine.
Molecular consequence: missense variant. On other transcripts: non-coding transcript variant (2).
Genome position (GRCh38, 1-based): chr2:27,059,246, C>T. VCF-style: chr2-27059246-C-T. GRCh37 (hg19) VCF-style: chr2-27282114-C-T.
Other names: c.1931C>T, p.Thr644Ile (NM_001035506.1, NM_001035507.3); short protein forms T644I.
Identifiers: ClinVar variation 1921656 (VCV001921656.6), dbSNP rs761626323, ClinGen allele CA346187501.

ClinVar aggregate classification (germline): Uncertain significance. Review status: criteria provided, multiple submitters, no conflicts (2 of 4 stars). 2 submissions from 2 submitters: Uncertain significance (2). Last evaluated 2022-04-23.

gnomAD v4.1: 1 of 1,614,186 alleles (0.000062%); no homozygotes.

Submissions (2):

Labcorp Genetics (formerly Invitae), Labcorp
Classification: Uncertain significance. Last evaluated: 2022-04-23. Review status: criteria provided, single submitter. Criteria: Invitae Variant Classification Sherloc (09022015). Collection method: clinical testing. Allele origin: germline.
Comment: This sequence change replaces threonine, which is neutral and polar, with isoleucine, which is neutral and non-polar, at codon 644 of the AGBL5 protein (p.Thr644Ile). This variant is not present in population databases (gnomAD no frequency). In summary, the available evidence is currently insufficient to determine the role of this variant in disease. Therefore, it has been classified as a Variant of Uncertain Significance. Algorithms developed to predict the effect of missense changes on protein structure and function (SIFT, PolyPhen-2, Align-GVGD) all suggest that this variant is likely to be tolerated. This variant has not been reported in the literature in individuals affected with AGBL5-related conditions.

Blueprint Genetics
Classification: Uncertain significance. Last evaluated: 2020-05-06. Review status: criteria provided, single submitter. Criteria: ACMG Guidelines, 2015. Collection method: clinical testing. Allele origin: germline.